The following is an entry in ClinVar:

NM_005739.4(RASGRP1):c.220+1760A>G

Gene: RASGRP1 (RAS guanyl releasing protein 1; minus strand). Cytogenetic location: 15q14.
Variant type: single nucleotide variant.
Coding change: c.220+1760A>G on transcript NM_005739.4 (MANE Select); 1760 bases into the intron after coding-DNA position 220, A replaced by G.
Molecular consequence: intron variant.
Genome position (GRCh38, 1-based): chr15:38,558,061, T>C on the plus strand (A>G on the coding strand, the complement: RASGRP1 is on the minus strand). VCF-style: chr15-38558061-T-C. GRCh37 (hg19) VCF-style: chr15-38850262-T-C.
Other names: c.220+1760A>G (NM_001306086.2, NM_001128602.2).
Identifiers: ClinVar variation 1182747 (VCV001182747.2), dbSNP rs11631591, ClinGen allele CA14200593.

ClinVar aggregate classification (germline): Benign (1 of 4 stars; one submission).

Allele frequency attached by ClinVar (database versions not stated): gnomAD 0.41159 and 0.41374; TOPMed 0.42918; 1000 Genomes Project 0.48902; 1000 Genomes Project 30x 0.49250.
gnomAD v4.1: 62,327 of 151,962 alleles (41%); highest among the groups gnomAD compares: African/African-American, 67%; 15,171 homozygotes.

Submission:

GeneDx
Classification: Benign. Last evaluated: 2019-10-17. Review status: criteria provided, single submitter. Criteria: GeneDx Variant Classification Process June 2021. Collection method: clinical testing. Allele origin: germline. Affected: yes.
Comment: This variant is associated with the following publications: (PMID: 31164884)